The following is an entry in ClinVar:

ClinVar aggregate classification (germline): Uncertain significance (1 of 4 stars; one submission).

Submission:

Labcorp Genetics (formerly Invitae), Labcorp
Classification: Uncertain significance. Last evaluated: 2025-10-21. Review status: criteria provided, single submitter. Criteria: Invitae Variant Classification Sherloc (09022015). Collection method: clinical testing. Allele origin: germline.
Comment: This sequence change replaces arginine, which is basic and polar, with serine, which is neutral and polar, at codon 1718 of the MYH14 protein (p.Arg1718Ser). The frequency data for this variant in the population databases is considered unreliable, as metrics indicate poor data quality at this position in the gnomAD database. This variant has not been reported in the literature in individuals affected with MYH14-related conditions. Invitae Evidence Modeling of protein sequence and biophysical properties (such as structural, functional, and spatial information, amino acid conservation, physicochemical variation, residue mobility, and thermodynamic stability) indicates that this missense variant is not expected to disrupt MYH14 protein function with a negative predictive value of 80%. In summary, the available evidence is currently insufficient to determine the role of this variant in disease. Therefore, it has been classified as a Variant of Uncertain Significance.

NM_001145809.2(MYH14):c.5275C>A (p.Arg1759Ser)

Gene: MYH14 (myosin heavy chain 14; plus strand). Cytogenetic location: 19q13.33.
Variant type: single nucleotide variant.
Coding change: c.5275C>A on transcript NM_001145809.2 (MANE Select); coding-DNA position 5275, C replaced by A.
Protein change: p.Arg1759Ser; replaces arginine 1759 with serine.
Molecular consequence: missense variant.
Genome position (GRCh38, 1-based): chr19:50,293,251, C>A. VCF-style: chr19-50293251-C-A. GRCh37 (hg19) VCF-style: chr19-50796508-C-A.
Other names: c.5152C>A, p.Arg1718Ser (NM_024729.4); c.5176C>A, p.Arg1726Ser (NM_001077186.2); short protein forms R1726S, R1718S, R1759S.
Identifiers: ClinVar variation 4762749 (VCV004762749.1).
Genomic context (GRCh38, chr19:50,293,251, plus strand): 5'-TGCTTCTCCTCACACCCACCGGCCACCCCTCCATCATCACAGGAACTGGCCGCCTCGGAC[C>A]GTGCTCGGCGGCAGGCCCAGCAGGACCGGGATGAGATGGCAGATGAGGTGGCCAATGGTA-3'
Protein context (NP_001139281.1, residues 1749-1769): RLQEELAASD[Arg1759Ser]ARRQAQQDRD